The following is an entry in ClinVar:

NM_020778.5(ALPK3):c.695C>G (p.Ala232Gly)

Gene: ALPK3 (alpha kinase 3; plus strand). Cytogenetic location: 15q25.3.
Variant type: single nucleotide variant.
Coding change: c.695C>G on transcript NM_020778.5 (MANE Select); coding-DNA position 695, C replaced by G.
Protein change: p.Ala232Gly; replaces alanine 232 with glycine.
Molecular consequence: missense variant.
Genome position (GRCh38, 1-based): chr15:84,839,974, C>G. VCF-style: chr15-84839974-C-G. GRCh37 (hg19) VCF-style: chr15-85383205-C-G.
Other names: short protein forms A232G.
Identifiers: ClinVar variation 3699777 (VCV003699777.2).

ClinVar aggregate classification (germline): Uncertain significance (1 of 4 stars; one submission).

Submission:

Labcorp Genetics (formerly Invitae), Labcorp
Classification: Uncertain significance. Last evaluated: 2024-09-27. Review status: criteria provided, single submitter. Criteria: Invitae Variant Classification Sherloc (09022015). Collection method: clinical testing. Allele origin: germline.
Comment: This sequence change replaces alanine, which is neutral and non-polar, with glycine, which is neutral and non-polar, at codon 434 of the ALPK3 protein (p.Ala434Gly). This variant is not present in population databases (gnomAD no frequency). This variant has not been reported in the literature in individuals affected with ALPK3-related conditions. Invitae Evidence Modeling of protein sequence and biophysical properties (such as structural, functional, and spatial information, amino acid conservation, physicochemical variation, residue mobility, and thermodynamic stability) indicates that this missense variant is not expected to disrupt ALPK3 protein function with a negative predictive value of 80%. In summary, the available evidence is currently insufficient to determine the role of this variant in disease. Therefore, it has been classified as a Variant of Uncertain Significance.